The following is an entry in ClinVar:

ClinVar aggregate classification (germline): Likely benign. Review status: criteria provided, multiple submitters, no conflicts (2 of 4 stars). 3 submissions from 3 submitters: Likely benign (3). Last evaluated 2026-07-15.

Conditions:
Paramyotonia congenita of Von Eulenburg. Also called: PARALYSIS PERIODICA PARAMYOTONICA; Paramyotonia Congenita; Eulenburg disease; Myotonia congenita intermittens; Von Eulenburg paramyotonia congenita. Identifiers: Orphanet 684, MedGen C0221055, MONDO:0008195, OMIM 168300. Disease mechanism: loss of function.
Congenital myasthenic syndrome 16. Identifiers: Orphanet 590, MedGen C3280112, MONDO:0013620, OMIM 614198.
Hypokalemic periodic paralysis, type 1. Also called: Hypokalemic Periodic Paralysis Type 1 (AD); HypoPP. Identifiers: Orphanet 681, MedGen C3714580, MONDO:0042979, OMIM 170400.
Potassium-aggravated myotonia. Also called: MYOTONIA CONGENITA, ACETAZOLAMIDE-RESPONSIVE; MYOTONIA CONGENITA, ATYPICAL; SODIUM CHANNEL MUSCLE DISEASE; Myotonia congenita, atypical, acetazolamide-responsive. Identifiers: Orphanet 612, Orphanet 99734, Orphanet 99735, Orphanet 99736, MedGen C2931826, MONDO:0018959, OMIM 608390.
Hyperkalemic periodic paralysis. Also called: Familial hyperkalemic periodic paralysis; Gamstorp disease. Identifiers: Orphanet 682, MedGen C0238357, MONDO:0008224, OMIM 170500, HP:0007215.
Hypokalemic periodic paralysis, type 2 (HOKPP2). Identifiers: Orphanet 681, MedGen C2750061, MONDO:0013234, OMIM 613345.
SCN4A-related disorder. Also called: SCN4A-related disorders.

Allele frequency attached by ClinVar (database versions not stated): gnomAD exomes 0.00001; gnomAD 0.00005 and 0.00004; ExAC 0.00002; TOPMed 0.00004.
gnomAD v4.1: 33 of 1,579,774 alleles (0.0021%); highest among the groups gnomAD compares: African/African-American, 0.03%; no homozygotes.

Submissions (3):

PreventionGenetics, part of Exact Sciences
Classification: Likely benign for SCN4A-related condition. Last evaluated: 2026-07-15. Review status: criteria provided, single submitter. Criteria: ACMG Guidelines, 2015. Collection method: clinical testing. Allele origin: germline.
Comment: This variant is classified as likely benign based on ACMG/AMP sequence variant interpretation guidelines (Richards et al. 2015 PMID: 25741868, with internal and published modifications).

Labcorp Genetics (formerly Invitae), Labcorp
Classification: Likely benign for Hyperkalemic periodic paralysis. Last evaluated: 2025-01-21. Review status: criteria provided, single submitter. Criteria: Invitae Variant Classification Sherloc (09022015). Collection method: clinical testing. Allele origin: germline.

Fulgent Genetics
Classification: Likely benign for Paramyotonia congenita of Von Eulenburg; Hypokalemic periodic paralysis, type 1; Hyperkalemic periodic paralysis; Potassium-aggravated myotonia; Hypokalemic periodic paralysis, type 2; Congenital myasthenic syndrome 16. Last evaluated: 2021-12-30. Review status: criteria provided, single submitter. Criteria: ACMG Guidelines, 2015. Collection method: clinical testing. Allele origin: unknown.

NM_000334.4(SCN4A):c.704-8G>A

Gene: SCN4A (sodium voltage-gated channel alpha subunit 4; minus strand). Cytogenetic location: 17q23.3.
Variant type: single nucleotide variant.
Coding change: c.704-8G>A on transcript NM_000334.4 (MANE Select); 8 bases into the intron before coding-DNA position 704, G replaced by A.
Molecular consequence: intron variant.
Genome position (GRCh38, 1-based): chr17:63,968,363, C>T on the plus strand (G>A on the coding strand, the complement: SCN4A is on the minus strand). VCF-style: chr17-63968363-C-T. GRCh37 (hg19) VCF-style: chr17-62045723-C-T.
Identifiers: ClinVar variation 1142920 (VCV001142920.11), dbSNP rs762393514, ClinGen allele CA8710062.